The following is an entry in ClinVar:

NM_000271.5(NPC1):c.2975G>C (p.Gly992Ala)

Gene: NPC1 (NPC intracellular cholesterol transporter 1; minus strand). Cytogenetic location: 18q11.2.
Variant type: single nucleotide variant.
Coding change: c.2975G>C on transcript NM_000271.5 (MANE Select); coding-DNA position 2975, G replaced by C.
Protein change: p.Gly992Ala; replaces glycine 992 with alanine.
Molecular consequence: missense variant.
Genome position (GRCh38, 1-based): chr18:23,538,608, C>G on the plus strand (G>C on the coding strand, the complement: NPC1 is on the minus strand). VCF-style: chr18-23538608-C-G. GRCh37 (hg19) VCF-style: chr18-21118572-C-G.
Other names: c.2975G>C (NM_000271.4); short protein forms G992A.
Identifiers: ClinVar variation 2138133 (VCV002138133.5), dbSNP rs757534240, ClinGen allele CA8912900.
Genomic context (GRCh38, chr18:23,538,608, plus strand): 5'-CCACACTTGGGGTTAGGGTTATCCGAAAGGAACATGGGCAGGAATCTCATGAAGTCTCCC[C>G]CCTGAGGCCTCTGTTTGCCTTCCGGAGTCAGAGGCCTGCAGCGAACGCAGGCAGGGTCAA-3'
Protein context (NP_000262.2, residues 982-1002): LTPEGKQRPQ[Gly992Ala]GDFMRFLPMF

ClinVar aggregate classification (germline): Pathogenic/Likely pathogenic. Review status: criteria provided, multiple submitters, no conflicts (2 of 4 stars). 2 submissions from 2 submitters: Pathogenic (1); Likely pathogenic (1). Last evaluated 2025-04-14.

Conditions:
Niemann-Pick disease, type C (NPC). Identifiers: Orphanet 646, MedGen C0220756, MONDO:0018982.
Niemann-Pick disease, type C1. Also called: NEUROVISCERAL STORAGE DISEASE WITH VERTICAL SUPRANUCLEAR OPHTHALMOPLEGIA; NIEMANN-PICK DISEASE WITH CHOLESTEROL ESTERIFICATION BLOCK; NIEMANN-PICK DISEASE WITHOUT SPHINGOMYELINASE DEFICIENCY; NIEMANN-PICK DISEASE, CHRONIC NEURONOPATHIC FORM; NIEMANN-PICK DISEASE, VARIANT TYPE C1. Identifiers: Orphanet 646, MedGen C3179455, MONDO:0009757, OMIM 257220.

Allele frequency attached by ClinVar (database versions not stated): ExAC 0.00002.

Submissions (2):

Labcorp Genetics (formerly Invitae), Labcorp
Classification: Pathogenic for Niemann-Pick disease, type C1. Last evaluated: 2025-04-14. Review status: criteria provided, single submitter. Criteria: Invitae Variant Classification Sherloc (09022015). Collection method: clinical testing. Allele origin: germline.
Comment: This sequence change replaces glycine, which is neutral and non-polar, with alanine, which is neutral and non-polar, at codon 992 of the NPC1 protein (p.Gly992Ala). This variant is present in population databases (rs757534240, gnomAD 0.0009%). This missense change has been observed in individual(s) with Niemann-Pick type C (PMID: 17003072). ClinVar contains an entry for this variant (Variation ID: 2138133). Invitae Evidence Modeling of protein sequence and biophysical properties (such as structural, functional, and spatial information, amino acid conservation, physicochemical variation, residue mobility, and thermodynamic stability) has been performed for this missense variant. However, the output from this modeling did not meet the statistical confidence thresholds required to predict the impact of this variant on NPC1 protein function. This variant disrupts the p.Gly992 amino acid residue in NPC1. Other variant(s) that disrupt this residue have been determined to be pathogenic (PMID: 11333381, 16126423, 26984608; internal data). This suggests that this residue is clinically significant, and that variants that disrupt this residue are likely to be disease-causing. For these reasons, this variant has been classified as Pathogenic.

Women's Health and Genetics/Laboratory Corporation of America, LabCorp
Classification: Likely pathogenic for Niemann-Pick disease, type C. Last evaluated: 2023-04-04. Review status: criteria provided, single submitter. Criteria: LabCorp Variant Classification Summary - May 2015. Collection method: clinical testing. Allele origin: germline.
Comment: Variant summary: NPC1 c.2975G>C (p.Gly992Ala) results in a non-conservative amino acid change in the encoded protein sequence. Three of five in-silico tools predict a damaging effect of the variant on protein function. The variant allele was found at a frequency of 4e-06 in 251478 control chromosomes (gnomAD). p.Gly992Ala has been reported in the literature in at least one individual affected with Niemann-Pick Disease Type C (Millat_2005, Nadjar_2018). To our knowledge, no experimental evidence demonstrating an impact on protein function has been reported. Other variants affecting the same amino acid residue (p.Gly992Arg, p.Gly992Trp) have been reported in affected patients and have been classified as pathogenic internally and in ClinVar (Variation IDs: 21137, 2969, 2960). One clinical diagnostic laboratory has submitted clinical-significance assessments for this variant to ClinVar after 2014 and classified the variant as pathogenic. Based on the evidence outlined above, the variant was classified as likely pathogenic.

Literature cited by the submitters: PubMed 17003072 (cited by Labcorp Genetics (formerly Invitae), Labcorp); PubMed 11333381 (cited by Labcorp Genetics (formerly Invitae), Labcorp); PubMed 16126423 (cited by Labcorp Genetics (formerly Invitae), Labcorp and Women's Health and Genetics/Laboratory Corporation of America, LabCorp); PubMed 26984608 (cited by Labcorp Genetics (formerly Invitae), Labcorp); PubMed 30285904 (cited by Women's Health and Genetics/Laboratory Corporation of America, LabCorp).